The following is an entry in ClinVar:

NM_002691.4(POLD1):c.807_823del (p.Ala270fs)

Gene: POLD1 (DNA polymerase delta 1, catalytic subunit; plus strand). Cytogenetic location: 19q13.33.
Variant type: Deletion.
Coding change: c.807_823del on transcript NM_002691.4 (MANE Select); coding-DNA positions 807 to 823, 17 bases deleted (AGCTGGGAAATACGCCC).
Protein change: p.Ala270fs; shifts the reading frame from alanine 270.
Molecular consequence: frameshift variant. On other transcripts: non-coding transcript variant (1).
Genome position (GRCh38, 1-based): chr19:50,402,502-50,402,518, AGCTGGGAAATACGCCC deleted; deleting any 17 consecutive bases within chr19:50,402,499-50,402,518 gives the same sequence; the c. name uses the placement nearest the transcript's 3' end. VCF-style (leftmost placement, unchanged base first): chr19-50402498-TCCCAGCTGGGAAATACG-T. GRCh37 (hg19) VCF-style: chr19-50905755-TCCCAGCTGGGAAATACG-T.
Other names: c.807_823del, p.Ala270fs (NM_001256849.1, NM_001308632.1, NM_001438210.1 and 3 more transcripts); short protein forms A270fs.
Identifiers: ClinVar variation 4862182 (VCV004862182.1).

ClinVar aggregate classification (germline): Uncertain significance (1 of 4 stars; one submission).

Conditions:
Hereditary cancer-predisposing syndrome. Also called: Neoplastic Syndromes, Hereditary; Tumor predisposition; Hereditary Cancer Syndrome; Hereditary neoplastic syndrome. Identifiers: Orphanet 140162, MedGen C0027672, MeSH D009386, MONDO:0015356.

Submission:

Ambry Genetics
Classification: Uncertain significance for Hereditary cancer-predisposing syndrome. Last evaluated: 2026-04-22. Review status: criteria provided, single submitter. Criteria: Ambry Variant Classification Scheme 2023. Collection method: clinical testing. Allele origin: germline.
Comment: The c.807_823del17 variant, located in coding exon 6 of the POLD1 gene, results from a deletion of 17 nucleotides at nucleotide positions 807 to 823, causing a translational frameshift with a predicted alternate stop codon (p.A270Efs*19). This alteration is expected to result in loss of function by premature protein truncation or nonsense-mediated mRNA decay. However, loss of function has not been established as a mechanism of disease. Based on the available evidence, the clinical significance of this variant remains unclear.